The following is an entry in ClinVar:

ClinVar aggregate classification (germline): not provided (0 of 4 stars; one submission).

Conditions:
Gestational diabetes mellitus uncontrolled. Identifiers: MedGen C3532257.

Submission:

Institute of Molecular and Cell Biology, University of Tartu
No classification provided. Condition: Gestational diabetes mellitus uncontrolled. Review status: no classification provided. Collection method: case-control. Allele origin: unknown. Affected: yes. Study: Kasak2014.
Comment: The study aimed to determine the contribution of copy number variants in the genetic etiology of normal and complicated pregnancies. The samples represented (i) maternal blood DNA drawn from healthy pregnant women during 1st or 2nd trimester and (ii) maternal and paternal blood DNA drawn at term pregnancy cases representing normal and complicated gestations (severe preeclampsia, PE; gestational diabetes, GD; small-for-gestational age newborn, SGA; large-for-gestational age newborn, LGA). We performed CNV calling based on genome-wide genotyping dataset (Illumina HumanOmniExpress-24-v1 BeadChip) by applying three algorithms, QuantiSNP, GADA (Genome Alteration Detection Algorithm) and CNstream in parallel. The acquired CNV calls were merged with HD-CNV (Hotspot Detector for Copy Number Variants) program and only the CNVs predicted by at least two programs, were considered in subsequent analysis.

Literature cited by the submitters: PubMed 25666259.

NC_000001.11:g.2420707_2434877dup

Gene: PLCH2 (phospholipase C eta 2; plus strand). Cytogenetic location: 1p36.32.
Variant type: Duplication.
Identifiers: ClinVar variation 156725 (VCV000156725.2).